The following is an entry in ClinVar:

ClinVar aggregate classification (germline): Uncertain significance (1 of 4 stars; one submission).

Conditions:
Inosine triphosphatase deficiency. Also called: INOSINE TRIPHOSPHATE PYROPHOSPHOHYDROLASE DEFICIENCY. Identifiers: MedGen C0342800, MONDO:0013461, OMIM 613850.

Allele frequency attached by ClinVar (database versions not stated): gnomAD exomes below 0.00001; gnomAD 0.00001; TOPMed 0.00002.
gnomAD v4.1: 11 of 1,613,646 alleles (0.00068%); highest among the groups gnomAD compares: African/African-American, 0.0013%; no homozygotes.

Submission:

Labcorp Genetics (formerly Invitae), Labcorp
Classification: Uncertain significance for Inosine triphosphatase deficiency. Last evaluated: 2018-02-27. Review status: criteria provided, single submitter. Criteria: Invitae Variant Classification Sherloc (09022015). Collection method: clinical testing. Allele origin: germline.
Comment: This sequence change replaces glutamine with histidine at codon 102 of the ITPA protein (p.Gln102His). The glutamine residue is moderately conserved and there is a small physicochemical difference between glutamine and histidine. This variant is not present in population databases (ExAC no frequency). This variant has not been reported in the literature in individuals with ITPA-related disease. Algorithms developed to predict the effect of missense changes on protein structure and function (SIFT, PolyPhen-2, Align-GVGD) all suggest that this variant is likely to be tolerated, but these predictions have not been confirmed by published functional studies and their clinical significance is uncertain. In summary, the available evidence is currently insufficient to determine the role of this variant in disease. Therefore, it has been classified as a Variant of Uncertain Significance.

NM_033453.4(ITPA):c.306G>C (p.Gln102His)

Gene: ITPA (inosine triphosphatase; plus strand). Cytogenetic location: 20p13.
Variant type: single nucleotide variant.
Coding change: c.306G>C on transcript NM_033453.4 (MANE Select); coding-DNA position 306, G replaced by C.
Protein change: p.Gln102His; replaces glutamine 102 with histidine.
Molecular consequence: missense variant. On other transcripts: 5 prime UTR variant (4), non-coding transcript variant (2).
Genome position (GRCh38, 1-based): chr20:3,218,527, G>C. VCF-style: chr20-3218527-G-C. GRCh37 (hg19) VCF-style: chr20-3199173-G-C.
Other names: c.183G>C, p.Gln61His (NM_001267623.2); c.-32G>C (NM_001324236.2, NM_001324237.2, NM_001324238.2 and 1 more transcripts); c.306G>C, p.Gln102His (NM_001324240.2); c.255G>C, p.Gln85His (NM_181493.4); short protein forms Q102H, Q61H, Q85H.
Identifiers: ClinVar variation 533419 (VCV000533419.7), dbSNP rs939527021, ClinGen allele CA310971682.
Genomic context (GRCh38, chr20:3,218,527, plus strand): 5'-GTGGGAGTTGGCCATTAGGGATGCACTGAGCCCTCACTGCCCACCCGCAGGTCTCCACCA[G>C]CTCCTGGCCGGGTTCGAGGACAAGTCAGCCTATGCGCTCTGCACGTTTGCACTCAGCACC-3'
Protein context (NP_258412.1, residues 92-112): LEKLKPEGLH[Gln102His]LLAGFEDKSA